The following is an entry in ClinVar:

ClinVar aggregate classification (germline): Uncertain significance. Review status: criteria provided, multiple submitters, no conflicts (2 of 4 stars). 2 submissions from 2 submitters: Uncertain significance (2). Last evaluated 2025-01-10.

Conditions:
MYO18B-related disorder. Also called: MYO18B-related condition.

Allele frequency attached by ClinVar (database versions not stated): gnomAD 0.00001; gnomAD exomes 0.00002 and 0.00005; ExAC 0.00007.

Submissions (2):

PreventionGenetics, part of Exact Sciences
Classification: Uncertain significance for MYO18B-related condition. Last evaluated: 2025-01-10. Review status: criteria provided, single submitter. Criteria: ACMG Guidelines, 2015. Collection method: clinical testing. Allele origin: germline.
Comment: The MYO18B c.2125G>A variant is predicted to result in the amino acid substitution p.Ala709Thr. To our knowledge, this variant has not been reported in the literature. This variant is reported in 0.040% of alleles in individuals of South Asian descent in gnomAD. At this time, the clinical significance of this variant is uncertain due to the absence of conclusive functional and genetic evidence.

Labcorp Genetics (formerly Invitae), Labcorp
Classification: Uncertain significance. Last evaluated: 2022-03-18. Review status: criteria provided, single submitter. Criteria: Invitae Variant Classification Sherloc (09022015). Collection method: clinical testing. Allele origin: germline.
Comment: This variant is present in population databases (rs749007334, gnomAD 0.04%). This sequence change replaces alanine, which is neutral and non-polar, with threonine, which is neutral and polar, at codon 709 of the MYO18B protein (p.Ala709Thr). This variant has not been reported in the literature in individuals affected with MYO18B-related conditions. Algorithms developed to predict the effect of missense changes on protein structure and function are either unavailable or do not agree on the potential impact of this missense change (SIFT: "Not Available"; PolyPhen-2: "Benign"; Align-GVGD: "Not Available"). In summary, the available evidence is currently insufficient to determine the role of this variant in disease. Therefore, it has been classified as a Variant of Uncertain Significance.

NM_032608.7(MYO18B):c.2125G>A (p.Ala709Thr)

Gene: MYO18B (myosin XVIIIB; plus strand). Cytogenetic location: 22q12.1.
Variant type: single nucleotide variant.
Coding change: c.2125G>A on transcript NM_032608.7 (MANE Select); coding-DNA position 2125, G replaced by A.
Protein change: p.Ala709Thr; replaces alanine 709 with threonine.
Molecular consequence: missense variant.
Genome position (GRCh38, 1-based): chr22:25,780,112, G>A. VCF-style: chr22-25780112-G-A. GRCh37 (hg19) VCF-style: chr22-26176079-G-A.
Other names: c.2125G>A, p.Ala709Thr (NM_001318245.2); c.2125G>A (NM_032608.6); short protein forms A709T.
Identifiers: ClinVar variation 1462467 (VCV001462467.7), dbSNP rs749007334, ClinGen allele CA10160058.